The following is an entry in ClinVar:

NM_000256.3(MYBPC3):c.3585C>A (p.Gly1195=)

Gene: MYBPC3 (myosin binding protein C3; minus strand). Cytogenetic location: 11p11.2.
Variant type: single nucleotide variant.
Coding change: c.3585C>A on transcript NM_000256.3 (MANE Select); coding-DNA position 3585, C replaced by A.
Protein change: p.Gly1195=; no amino-acid change (glycine 1195 retained).
Molecular consequence: synonymous variant.
Genome position (GRCh38, 1-based): chr11:47,332,608, G>T on the plus strand (C>A on the coding strand, the complement: MYBPC3 is on the minus strand). VCF-style: chr11-47332608-G-T. GRCh37 (hg19) VCF-style: chr11-47354159-G-T.
Identifiers: ClinVar variation 42724 (VCV000042724.5), dbSNP rs397516027, ClinGen allele CA014386.

ClinVar aggregate classification (germline): Likely benign. Review status: criteria provided, multiple submitters, no conflicts (2 of 4 stars). 2 submissions from 2 submitters: Likely benign (2). Last evaluated 2021-05-06.

Submissions (2):

Blueprint Genetics
Classification: Likely benign. Last evaluated: 2021-05-06. Review status: criteria provided, single submitter. Criteria: ACMG Guidelines, 2015. Collection method: clinical testing. Allele origin: germline.

Laboratory for Molecular Medicine, Mass General Brigham Personalized Medicine
Classification: Likely benign. Last evaluated: 2012-04-05. Review status: criteria provided, single submitter. Criteria: LMM Criteria. Collection method: clinical testing. Allele origin: germline. Observed: 1 variant allele.
Comment: Gly1195Gly in exon 32 of MYBPC3: This variant has not been previously reported i n the literature or in publically available databases, and has not been identifi ed previously in our laboratory. However, this variant is not expected to have c linical significance because it does not alter an amino acid residue and is not located within the splice consensus sequence. Gly1195Gly in exon 32 of MYBPC3 ( allele frequency = n/a)